The following is an entry in ClinVar:

NM_000138.5(FBN1):c.2615A>G (p.Lys872Arg)

Gene: FBN1 (fibrillin 1; minus strand). Cytogenetic location: 15q21.1.
Variant type: single nucleotide variant.
Coding change: c.2615A>G on transcript NM_000138.5 (MANE Select); coding-DNA position 2615, A replaced by G.
Protein change: p.Lys872Arg; replaces lysine 872 with arginine.
Molecular consequence: missense variant.
Genome position (GRCh38, 1-based): chr15:48,495,185, T>C on the plus strand (A>G on the coding strand, the complement: FBN1 is on the minus strand). VCF-style: chr15-48495185-T-C. GRCh37 (hg19) VCF-style: chr15-48787382-T-C.
Other names: c.2615A>G, p.Lys872Arg (NM_001406716.1); short protein forms K872R.
Identifiers: ClinVar variation 3386835 (VCV003386835.1).

ClinVar aggregate classification (germline): Uncertain significance (1 of 4 stars; one submission).

Conditions:
Marfan syndrome (MFS). Also called: MARFAN SYNDROME, TYPE I; Marfan syndrome type 1; Marfan's syndrome; FBN1-Related Marfan Syndrome; Marfan syndrome, classic. Identifiers: Orphanet 284963, Orphanet 558, MedGen C0024796, MONDO:0007947, OMIM 154700.

Submission:

All of Us Research Program, National Institutes of Health
Classification: Uncertain significance for Marfan syndrome. Last evaluated: 2024-03-05. Review status: criteria provided, single submitter. Criteria: ACMG Guidelines, 2015. Collection method: clinical testing. Allele origin: germline. Inheritance: Autosomal dominant inheritance. Observed: 1 variant allele, 1 heterozygote.
Comment: This study involves interpretation of variants in research participants for the purpose of population health screening. Participant phenotype was not available at the time of variant classification. Additional details can be found in publication PMID: 35346344, PMCID: PMC8962531